The following is an entry in ClinVar:

ClinVar aggregate classification (germline): Uncertain significance (1 of 4 stars; one submission).

Conditions:
Ulnar-mammary syndrome (UMS). Also called: SCHINZEL SYNDROME; PALLISTER ULNAR-MAMMARY SYNDROME; Ulnar-mammary syndrome of Pallister. Identifiers: Orphanet 3138, MedGen C1866994, MONDO:0008411, OMIM 181450.

Allele frequency attached by ClinVar (database versions not stated): ExAC 0.00001; gnomAD 0.00001; gnomAD exomes 0.00001; TOPMed 0.00001.
gnomAD v4.1: 11 of 1,613,966 alleles (0.00068%); highest among the groups gnomAD compares: South Asian, 0.0022%; no homozygotes.

Submission:

Labcorp Genetics (formerly Invitae), Labcorp
Classification: Uncertain significance for Ulnar-mammary syndrome. Last evaluated: 2023-10-05. Review status: criteria provided, single submitter. Criteria: Invitae Variant Classification Sherloc (09022015). Collection method: clinical testing. Allele origin: germline.
Comment: This sequence change replaces arginine, which is basic and polar, with glutamine, which is neutral and polar, at codon 249 of the TBX3 protein (p.Arg249Gln). This variant is present in population databases (rs775378442, gnomAD 0.004%). This variant has not been reported in the literature in individuals affected with TBX3-related conditions. An algorithm developed to predict the effect of missense changes on protein structure and function (PolyPhen-2) suggests that this variant is likely to be disruptive. In summary, the available evidence is currently insufficient to determine the role of this variant in disease. Therefore, it has been classified as a Variant of Uncertain Significance.

NM_005996.4(TBX3):c.746G>A (p.Arg249Gln)

Gene: TBX3 (T-box transcription factor 3; minus strand). Cytogenetic location: 12q24.21.
Variant type: single nucleotide variant.
Coding change: c.746G>A on transcript NM_005996.4 (MANE Select); coding-DNA position 746, G replaced by A.
Protein change: p.Arg249Gln; replaces arginine 249 with glutamine.
Molecular consequence: missense variant.
Genome position (GRCh38, 1-based): chr12:114,679,563, C>T on the plus strand (G>A on the coding strand, the complement: TBX3 is on the minus strand). VCF-style: chr12-114679563-C-T. GRCh37 (hg19) VCF-style: chr12-115117368-C-T.
Other names: c.806G>A, p.Arg269Gln (NM_016569.4); short protein forms R249Q, R269Q.
Identifiers: ClinVar variation 2905292 (VCV002905292.3), dbSNP rs775378442, ClinGen allele CA6810102.